The following is an entry in ClinVar:

ClinVar aggregate classification (germline): Uncertain significance (1 of 4 stars; one submission).

Conditions:
Spastic paraplegia. Identifiers: MedGen C0037772, HP:0001258.

Submission:

Labcorp Genetics (formerly Invitae), Labcorp
Classification: Uncertain significance for Spastic paraplegia. Last evaluated: 2022-05-20. Review status: criteria provided, single submitter. Criteria: Invitae Variant Classification Sherloc (09022015). Collection method: clinical testing. Allele origin: germline.
Comment: In summary, the available evidence is currently insufficient to determine the role of this variant in disease. Therefore, it has been classified as a Variant of Uncertain Significance. Algorithms developed to predict the effect of missense changes on protein structure and function (SIFT, PolyPhen-2, Align-GVGD) all suggest that this variant is likely to be disruptive. This variant has not been reported in the literature in individuals affected with KIF5A-related conditions. This variant is not present in population databases (gnomAD no frequency). This sequence change replaces alanine, which is neutral and non-polar, with threonine, which is neutral and polar, at codon 490 of the KIF5A protein (p.Ala490Thr).

NM_004984.4(KIF5A):c.1468G>A (p.Ala490Thr)

Gene: KIF5A (kinesin family member 5A; plus strand). Cytogenetic location: 12q13.3.
Variant type: single nucleotide variant.
Coding change: c.1468G>A on transcript NM_004984.4 (MANE Select); coding-DNA position 1468, G replaced by A.
Protein change: p.Ala490Thr; replaces alanine 490 with threonine.
Molecular consequence: missense variant.
Genome position (GRCh38, 1-based): chr12:57,572,166, G>A. VCF-style: chr12-57572166-G-A. GRCh37 (hg19) VCF-style: chr12-57965949-G-A.
Other names: c.1201G>A, p.Ala401Thr (NM_001354705.2); short protein forms A401T, A490T.
Identifiers: ClinVar variation 1997121 (VCV001997121.4), dbSNP rs2540504151, ClinGen allele CA385506657.